The following is an entry in ClinVar:

ClinVar aggregate classification (germline): Uncertain significance (1 of 4 stars; one submission).

Conditions:
Hereditary pancreatitis (PCTT). Also called: PRSS1-Related Hereditary Pancreatitis; Hereditary chronic pancreatitis. Identifiers: Orphanet 676, MedGen C0238339, MONDO:0008185, OMIM 167800.

Submission:

Institute of Human Genetics, University of Leipzig Medical Center
Classification: Uncertain significance for Hereditary pancreatitis. Last evaluated: 2023-12-11. Review status: criteria provided, single submitter. Criteria: ACMG Guidelines, 2015. Collection method: clinical testing. Allele origin: unknown. Inheritance: Autosomal dominant inheritance. Affected: yes.
Comment: Criteria applied: PM2_SUP,PP3

NM_001379610.1(SPINK1):c.23T>C (p.Leu8Pro)

Gene: SPINK1 (serine peptidase inhibitor Kazal type 1; minus strand). Cytogenetic location: 5q32.
Variant type: single nucleotide variant.
Coding change: c.23T>C on transcript NM_001379610.1 (MANE Select); coding-DNA position 23, T replaced by C.
Protein change: p.Leu8Pro; replaces leucine 8 with proline.
Molecular consequence: missense variant.
Genome position (GRCh38, 1-based): chr5:147,831,555, A>G on the plus strand (T>C on the coding strand, the complement: SPINK1 is on the minus strand). VCF-style: chr5-147831555-A-G. GRCh37 (hg19) VCF-style: chr5-147211118-A-G.
Other names: c.23T>C, p.Leu8Pro (NM_001354966.2, NM_003122.5); short protein forms L8P.
Identifiers: ClinVar variation 2691883 (VCV002691883.2), dbSNP rs2480208491, ClinGen allele CA361885544.